The following is an entry in ClinVar:

NM_016341.4(PLCE1):c.5979T>C (p.Ser1993=)

Gene: PLCE1 (phospholipase C epsilon 1; plus strand). Cytogenetic location: 10q23.33.
Variant type: single nucleotide variant.
Coding change: c.5979T>C on transcript NM_016341.4 (MANE Select); coding-DNA position 5979, T replaced by C.
Protein change: p.Ser1993=; no amino-acid change (serine 1993 retained).
Molecular consequence: synonymous variant.
Genome position (GRCh38, 1-based): chr10:94,308,675, T>C. VCF-style: chr10-94308675-T-C. GRCh37 (hg19) VCF-style: chr10-96068432-T-C.
Other names: c.5055T>C, p.Ser1685= (NM_001165979.2); c.5931T>C, p.Ser1977= (NM_001288989.2).
Identifiers: ClinVar variation 877832 (VCV000877832.14), dbSNP rs200943442, ClinGen allele CA5613451.

ClinVar aggregate classification (germline): Benign/Likely benign. Review status: criteria provided, multiple submitters, no conflicts (2 of 4 stars). 4 submissions from 4 submitters: Benign (1); Likely benign (2). 1 of the submissions does not count toward it. Last evaluated 2024-06-03.

Conditions:
PLCE1-related disorder. Also called: PLCE1-related condition.
Nephrotic syndrome, type 3 (NPHS3). Also called: NEPHROTIC SYNDROME, EARLY-ONSET, TYPE 3. Identifiers: Orphanet 656, MedGen C1853124, MONDO:0012546, OMIM 610725.

Allele frequency attached by ClinVar (database versions not stated): gnomAD exomes 0.00007 and 0.00028; gnomAD 0.00009 and 0.00011; TOPMed 0.00015; ExAC 0.00028; 1000 Genomes Project 0.00080; 1000 Genomes Project 30x 0.00094.
gnomAD v4.1: 118 of 1,602,740 alleles (0.0074%); highest among the groups gnomAD compares: East Asian, 0.17%; no homozygotes.

Submissions (4):

Labcorp Genetics (formerly Invitae), Labcorp
Classification: Benign. Last evaluated: 2024-06-03. Review status: criteria provided, single submitter. Criteria: Invitae Variant Classification Sherloc (09022015). Collection method: clinical testing. Allele origin: germline.

Fulgent Genetics
Classification: Likely benign for Nephrotic syndrome, type 3. Last evaluated: 2022-01-18. Review status: criteria provided, single submitter. Criteria: ACMG Guidelines, 2015. Collection method: clinical testing. Allele origin: unknown.

Illumina Laboratory Services, Illumina
Classification: Likely benign for Nephrotic syndrome, type 3. Last evaluated: 2018-01-13. Review status: criteria provided, single submitter. Criteria: ICSL Variant Classification Criteria 13 December 2019. Collection method: clinical testing. Allele origin: germline.
Comment: This variant was observed in the ICSL laboratory as part of a predisposition screen in an ostensibly healthy population. It had not been previously curated by ICSL or reported in the Human Gene Mutation Database (HGMD: prior to June 1st, 2018), and was therefore a candidate for classification through an automated scoring system. Utilizing variant allele frequency, disease prevalence and penetrance estimates, and inheritance mode, an automated score was calculated to assess if this variant is too frequent to cause the disease. Based on the score and internal cut-off values, a variant classified as likely benign is not then subjected to further curation. The score for this variant resulted in a classification of likely benign for this disease.

PreventionGenetics, part of Exact Sciences
Classification: Likely benign for PLCE1-related condition. Last evaluated: 2019-08-20. Review status: no assertion criteria provided. Collection method: clinical testing. Allele origin: germline. Not counted in ClinVar's aggregate classification.
Comment: This variant is classified as likely benign based on ACMG/AMP sequence variant interpretation guidelines (Richards et al. 2015 PMID: 25741868, with internal and published modifications).